The following is an entry in ClinVar:

ClinVar aggregate classification (germline): Uncertain significance. Review status: criteria provided, multiple submitters, no conflicts (2 of 4 stars). 2 submissions from 2 submitters: Uncertain significance (2). Last evaluated 2022-05-02.

Conditions:
Autosomal recessive limb-girdle muscular dystrophy type 2E (LGMDR4). Also called: MUSCULAR DYSTROPHY, LIMB-GIRDLE, AUTOSOMAL RECESSIVE 4. Identifiers: Orphanet 119, MedGen C1858593, MONDO:0011423, OMIM 604286. Disease mechanism: Affects gamma-sarcoglycan and also disrupts the integrity of the entire sarcoglycan complex..

Submissions (2):

Labcorp Genetics (formerly Invitae), Labcorp
Classification: Uncertain significance for Autosomal recessive limb-girdle muscular dystrophy type 2E. Last evaluated: 2022-05-02. Review status: criteria provided, single submitter. Criteria: Invitae Variant Classification Sherloc (09022015). Collection method: clinical testing. Allele origin: germline.
Comment: This variant has not been reported in the literature in individuals affected with SGCB-related conditions. This variant is not present in population databases (gnomAD no frequency). This sequence change replaces asparagine, which is neutral and polar, with serine, which is neutral and polar, at codon 253 of the SGCB protein (p.Asn253Ser). In summary, the available evidence is currently insufficient to determine the role of this variant in disease. Therefore, it has been classified as a Variant of Uncertain Significance. Algorithms developed to predict the effect of missense changes on protein structure and function output the following: SIFT: "Tolerated"; PolyPhen-2: "Benign"; Align-GVGD: "Class C0". The serine amino acid residue is found in multiple mammalian species, which suggests that this missense change does not adversely affect protein function. ClinVar contains an entry for this variant (Variation ID: 289632).

Eurofins Ntd Llc (ga)
Classification: Uncertain significance. Last evaluated: 2016-07-21. Review status: criteria provided, single submitter. Criteria: EGL Classification Definitions 2015. Collection method: clinical testing. Allele origin: germline. Observed: 1 variant allele, 1 heterozygote.

NM_000232.5(SGCB):c.758A>G (p.Asn253Ser)

Gene: SGCB (sarcoglycan beta; minus strand). Cytogenetic location: 4q12.
Variant type: single nucleotide variant.
Coding change: c.758A>G on transcript NM_000232.5 (MANE Select); coding-DNA position 758, A replaced by G.
Protein change: p.Asn253Ser; replaces asparagine 253 with serine.
Molecular consequence: missense variant.
Genome position (GRCh38, 1-based): chr4:52,024,156, T>C on the plus strand (A>G on the coding strand, the complement: SGCB is on the minus strand). VCF-style: chr4-52024156-T-C. GRCh37 (hg19) VCF-style: chr4-52890322-T-C.
Other names: short protein forms N253S.
Identifiers: ClinVar variation 289632 (VCV000289632.9), dbSNP rs886044225, ClinGen allele CA10606501.